The following is an entry in ClinVar:

NM_003072.5(SMARCA4):c.3927C>G (p.His1309Gln)

Gene: SMARCA4 (SWI/SNF related BAF chromatin remodeling complex subunit ATPase 4; plus strand). Cytogenetic location: 19p13.2.
Variant type: single nucleotide variant.
Coding change: c.3927C>G on transcript NM_003072.5 (MANE Select); coding-DNA position 3927, C replaced by G.
Protein change: p.His1309Gln; replaces histidine 1309 with glutamine.
Molecular consequence: missense variant. On other transcripts: non-coding transcript variant (1).
Genome position (GRCh38, 1-based): chr19:11,034,176, C>G. VCF-style: chr19-11034176-C-G. GRCh37 (hg19) VCF-style: chr19-11144852-C-G.
Other names: c.3927C>G, p.His1309Gln (NM_001128844.3, NM_001128849.3, NM_001387283.1); c.3828C>G, p.His1276Gln (NM_001128845.2, NM_001128846.2, NM_001128847.4 and 2 more transcripts); short protein forms H1309Q, H1276Q.
Identifiers: ClinVar variation 1040320 (VCV001040320.8), dbSNP rs148495641, ClinGen allele CA404067904.

ClinVar aggregate classification (germline): Uncertain significance (1 of 4 stars; one submission).

Conditions:
Rhabdoid tumor predisposition syndrome 2 (RTPS2). Identifiers: Orphanet 231108, Orphanet 69077, MedGen C2750074, MONDO:0013224, OMIM 613325.

Submission:

Labcorp Genetics (formerly Invitae), Labcorp
Classification: Uncertain significance for Rhabdoid tumor predisposition syndrome 2. Last evaluated: 2023-10-03. Review status: criteria provided, single submitter. Criteria: Invitae Variant Classification Sherloc (09022015). Collection method: clinical testing. Allele origin: germline.
Comment: This sequence change replaces histidine, which is basic and polar, with glutamine, which is neutral and polar, at codon 1309 of the SMARCA4 protein (p.His1309Gln). This variant is not present in population databases (gnomAD no frequency). This variant has not been reported in the literature in individuals affected with SMARCA4-related conditions. ClinVar contains an entry for this variant (Variation ID: 1040320). Advanced modeling of protein sequence and biophysical properties (such as structural, functional, and spatial information, amino acid conservation, physicochemical variation, residue mobility, and thermodynamic stability) performed at Invitae indicates that this missense variant is not expected to disrupt SMARCA4 protein function. In summary, the available evidence is currently insufficient to determine the role of this variant in disease. Therefore, it has been classified as a Variant of Uncertain Significance.